The following is an entry in ClinVar:

NM_031448.6(C19orf12):c.215C>T (p.Pro72Leu)

Gene: C19orf12 (chromosome 19 open reading frame 12; minus strand). Cytogenetic location: 19q12.
Variant type: single nucleotide variant.
Coding change: c.215C>T on transcript NM_031448.6 (MANE Select); coding-DNA position 215, C replaced by T.
Protein change: p.Pro72Leu; replaces proline 72 with leucine.
Molecular consequence: missense variant.
Genome position (GRCh38, 1-based): chr19:29,702,923, G>A on the plus strand (C>T on the coding strand, the complement: C19orf12 is on the minus strand). VCF-style: chr19-29702923-G-A. GRCh37 (hg19) VCF-style: chr19-30193830-G-A.
Other names: C19ORF12, PRO83LEU (rs201987973); P83L; c.215C>T, p.Pro72Leu (NM_001031726.4, NM_001256046.3, NM_001256047.2); c.23C>T, p.Pro8Leu (NM_001282929.1, NM_001282930.3, NM_001282931.3); short protein forms P72L, P8L.
Identifiers: ClinVar variation 225875 (VCV000225875.8), dbSNP rs201987973, ClinGen allele CA9351912.

ClinVar aggregate classification (germline): Pathogenic/Likely pathogenic. Review status: criteria provided, multiple submitters, no conflicts (2 of 4 stars). 5 submissions from 5 submitters: Pathogenic (2); Likely pathogenic (2). 1 of the submissions does not count toward it. Last evaluated 2025-09-07.

Conditions:
C19ORF12-related disorders.
Hereditary spastic paraplegia 43. Also called: Spastic paraplegia 43, autosomal recessive. Identifiers: Orphanet 320370, MedGen C2680446, MONDO:0014024, OMIM 615043.
Neurodegeneration with brain iron accumulation 4 (NBIA4). Also called: MITOCHONDRIAL PROTEIN-ASSOCIATED NEURODEGENERATION. Identifiers: Orphanet 289560, MedGen C3280371, MONDO:0013674, OMIM 614298. Disease mechanism: loss of function.

Allele frequency attached by ClinVar (database versions not stated): TOPMed below 0.00001; gnomAD 0.00001; gnomAD exomes 0.00001 and 0.00002; ExAC 0.00003.
gnomAD v4.1: 15 of 1,614,048 alleles (0.00093%); highest among the groups gnomAD compares: South Asian, 0.0011%; no homozygotes.

Submissions (5):

Labcorp Genetics (formerly Invitae), Labcorp
Classification: Pathogenic for Hereditary spastic paraplegia 43. Last evaluated: 2025-09-07. Review status: criteria provided, single submitter. Criteria: Invitae Variant Classification Sherloc (09022015). Collection method: clinical testing. Allele origin: germline.
Comment: This sequence change replaces proline, which is neutral and non-polar, with leucine, which is neutral and non-polar, at codon 83 of the C19orf12 protein (p.Pro83Leu). This variant is present in population databases (rs201987973, gnomAD 0.01%). This missense change has been observed in individuals with autosomal recessive neurodegeneration with brain iron accumulation or mitochondria protein-associated neurodegeneration (PMID: 23269600, 26187298, 33607528). It has also been observed to segregate with disease in related individuals. ClinVar contains an entry for this variant (Variation ID: 225875). An algorithm developed to predict the effect of missense changes on protein structure and function (PolyPhen-2) suggests that this variant is likely to be disruptive. For these reasons, this variant has been classified as Pathogenic.

Blueprint Genetics
Classification: Pathogenic for C19ORF12-related disorders. Last evaluated: 2024-01-18. Review status: criteria provided, single submitter. Criteria: ACMG Guidelines, 2015. Collection method: clinical testing. Allele origin: germline. Affected: yes. Observed: 1 variant allele.

3billion
Classification: Likely pathogenic for Neurodegeneration with brain iron accumulation 4. Last evaluated: 2022-09-01. Review status: criteria provided, single submitter. Criteria: ACMG Guidelines, 2015. Collection method: clinical testing. Allele origin: germline. Affected: yes. Observed: 1 homozygote.
Comment: The variant is observed at an extremely low frequency in the gnomAD v2.1.1 dataset (total allele frequency: 0.002%). In silico tool predictions suggest damaging effect of the variant on gene or gene product (REVEL: 0.84; 3Cnet: 0.74). Same nucleotide change resulting in same amino acid change has been previously reported as pathogenic/likely pathogenic with strong evidence (PMID: 26187298). The variant has been reported to co-segregate with the disease in at least one similarly affected relative/individual in the same family or similarly affected unrelated family (PMID: 26187298). Therefore, this variant is classified as Likely pathogenic according to the recommendation of ACMG/AMP guideline.

Kasturba Medical College, Manipal, Kasturba Medical College, Manipal, Manipal Academy of Higher Education, Manipal, India
Classification: Likely pathogenic for Neurodegeneration with brain iron accumulation 4. Review status: criteria provided, single submitter. Criteria: ACMG Guidelines, 2015. Collection method: clinical testing. Allele origin: germline. Affected: yes.

OMIM
Classification: Pathogenic for NEURODEGENERATION WITH BRAIN IRON ACCUMULATION 4, AUTOSOMAL RECESSIVE. Last evaluated: 2013-01-15. Review status: no assertion criteria provided. Collection method: literature only. Allele origin: germline. Not counted in ClinVar's aggregate classification.

Literature cited by the submitters: PubMed 23269600 (cited by Labcorp Genetics (formerly Invitae), Labcorp and OMIM); PubMed 26187298 (cited by 3 submitters); PubMed 33607528 (cited by Labcorp Genetics (formerly Invitae), Labcorp).